The following is an entry in ClinVar:

ClinVar aggregate classification (germline): Pathogenic (1 of 4 stars; one submission).

Conditions:
Autosomal recessive polycystic kidney disease (ARPKD). Also called: AR polycystic kidney disease. Identifiers: Orphanet 731, Orphanet 8378, MedGen C0085548, MeSH D017044, MONDO:0009889.

Submission:

Labcorp Genetics (formerly Invitae), Labcorp
Classification: Pathogenic for Autosomal recessive polycystic kidney disease. Last evaluated: 2023-05-07. Review status: criteria provided, single submitter. Criteria: Invitae Variant Classification Sherloc (09022015). Collection method: clinical testing. Allele origin: unknown.
Comment: For these reasons, this variant has been classified as Pathogenic. This variant has not been reported in the literature in individuals affected with PKHD1-related conditions. This variant is a gross deletion of the genomic region encompassing exon(s) 28 of the PKHD1 gene. This deletion is out-of-frame, and is expected to create a premature termination codon and result in an absent or disrupted protein product. Loss-of-function variants in PKHD1 are known to be pathogenic (PMID: 19940839).

Literature cited by the submitters: PubMed 19940839.

NC_000006.11:g.(?_51900369)_(51900539_?)del

Gene: PKHD1 (PKHD1 ciliary IPT domain containing fibrocystin/polyductin; minus strand). Cytogenetic location: 6p12.2.
Variant type: Deletion.
Identifiers: ClinVar variation 3245958 (VCV003245958.1).